The following is an entry in ClinVar:

NM_001903.5(CTNNA1):c.713A>C (p.Lys238Thr)

Gene: CTNNA1 (catenin alpha 1; plus strand). Cytogenetic location: 5q31.2.
Variant type: single nucleotide variant.
Coding change: c.713A>C on transcript NM_001903.5 (MANE Select); coding-DNA position 713, A replaced by C.
Protein change: p.Lys238Thr; replaces lysine 238 with threonine.
Molecular consequence: missense variant.
Genome position (GRCh38, 1-based): chr5:138,824,654, A>C. VCF-style: chr5-138824654-A-C. GRCh37 (hg19) VCF-style: chr5-138160343-A-C.
Other names: c.713A>C, p.Lys238Thr (NM_001290307.3, NM_001323982.2, NM_001323983.1 and 3 more transcripts); c.404A>C, p.Lys135Thr (NM_001290309.3); c.344A>C, p.Lys115Thr (NM_001290310.3); short protein forms K115T, K135T, K238T.
Identifiers: ClinVar variation 848787 (VCV000848787.13), dbSNP rs761564837, ClinGen allele CA3431538.
Genomic context (GRCh38, chr5:138,824,654, plus strand): 5'-TTCCGATCCTCTATACTGCATCCCAGGCATGCCTACAGCACCCTGATGTCGCAGCCTATA[A>C]GGCCAACAGGGACCTGATATACAAGCAGCTGCAGCAGGCGGTCACAGGCATTTCCAATGC-3'
Protein context (NP_001894.2, residues 228-248): CLQHPDVAAY[Lys238Thr]ANRDLIYKQL

ClinVar aggregate classification (germline): Uncertain significance. Review status: criteria provided, multiple submitters, no conflicts (2 of 4 stars). 3 submissions from 3 submitters: Uncertain significance (3). Last evaluated 2025-12-22.

Conditions:
Hereditary cancer-predisposing syndrome. Also called: Neoplastic Syndromes, Hereditary; Hereditary neoplastic syndrome; Tumor predisposition; Hereditary Cancer Syndrome. Identifiers: Orphanet 140162, MedGen C0027672, MeSH D009386, MONDO:0015356.

Allele frequency attached by ClinVar (database versions not stated): ExAC 0.00001; gnomAD exomes 0.00001; gnomAD 0.00001.
gnomAD v4.1: 7 of 1,614,108 alleles (0.00043%); highest among the groups gnomAD compares: Non-Finnish European, 0.00051%; no homozygotes.

Submissions (3):

Labcorp Genetics (formerly Invitae), Labcorp
Classification: Uncertain significance. Last evaluated: 2025-12-22. Review status: criteria provided, single submitter. Criteria: Invitae Variant Classification Sherloc (09022015). Collection method: clinical testing. Allele origin: germline.
Comment: This sequence change replaces lysine, which is basic and polar, with threonine, which is neutral and polar, at codon 238 of the CTNNA1 protein (p.Lys238Thr). This variant is present in population databases (rs761564837, gnomAD 0.002%). This variant has not been reported in the literature in individuals affected with CTNNA1-related conditions. ClinVar contains an entry for this variant (Variation ID: 848787). Invitae Evidence Modeling of protein sequence and biophysical properties (such as structural, functional, and spatial information, amino acid conservation, physicochemical variation, residue mobility, and thermodynamic stability) indicates that this missense variant is not expected to disrupt CTNNA1 protein function with a negative predictive value of 80%. In summary, the available evidence is currently insufficient to determine the role of this variant in disease. Therefore, it has been classified as a Variant of Uncertain Significance.

Ambry Genetics
Classification: Uncertain significance for Hereditary cancer-predisposing syndrome. Last evaluated: 2025-06-12. Review status: criteria provided, single submitter. Criteria: Ambry Variant Classification Scheme 2023. Collection method: clinical testing. Allele origin: germline.
Comment: The p.K238T variant (also known as c.713A>C), located in coding exon 5 of the CTNNA1 gene, results from an A to C substitution at nucleotide position 713. The lysine at codon 238 is replaced by threonine, an amino acid with similar properties. This amino acid position is highly conserved in available vertebrate species. In addition, the in silico prediction for this alteration is inconclusive. Based on the available evidence, the clinical significance of this variant remains unclear.

GeneDx
Classification: Uncertain significance. Last evaluated: 2024-01-23. Review status: criteria provided, single submitter. Criteria: GeneDx Variant Classification Process June 2021. Collection method: clinical testing. Allele origin: germline.
Comment: Not observed at significant frequency in large population cohorts (gnomAD); In silico analysis supports that this missense variant has a deleterious effect on protein structure/function; Observed in individuals referred for hereditary cancer multi-gene panel testing (PMID: 32051609); This variant is associated with the following publications: (PMID: 32051609)